The following is an entry in ClinVar:

NM_017534.6(MYH2):c.5577+5A>G

Genes: MYH2 (myosin heavy chain 2; minus strand), MYHAS (myosin heavy chain gene cluster antisense RNA; plus strand). Cytogenetic location: 17p13.1.
Variant type: single nucleotide variant.
Coding change: c.5577+5A>G on transcript NM_017534.6 (MANE Select); 5 bases into the intron after coding-DNA position 5577, A replaced by G.
Molecular consequence: intron variant.
Genome position (GRCh38, 1-based): chr17:10,523,303, T>C on the plus strand (A>G on the coding strand, the complement: MYH2 is on the minus strand). VCF-style: chr17-10523303-T-C. GRCh37 (hg19) VCF-style: chr17-10426620-T-C.
Other names: c.5577+5A>G (NM_001100112.2).
Identifiers: ClinVar variation 1968920 (VCV001968920.5), dbSNP rs1318794021, ClinGen allele CA625088325.

ClinVar aggregate classification (germline): Uncertain significance (1 of 4 stars; one submission).

Conditions:
Myopathy, proximal, and ophthalmoplegia (CMYO6). Also called: CONGENITAL MYOPATHY 6 WITH OPHTHALMOPLEGIA; MYOPATHY WITH CONGENITAL JOINT CONTRACTURES, OPHTHALMOPLEGIA, AND RIMMED VACUOLES; INCLUSION BODY MYOPATHY 3, AUTOSOMAL DOMINANT. Identifiers: Orphanet 363677, Orphanet 79091, MedGen C1854106, MONDO:0011577, OMIM 605637.

Allele frequency attached by ClinVar (database versions not stated): gnomAD exomes below 0.00001.
gnomAD v4.1: 4 of 1,614,216 alleles (0.00025%); highest among the groups gnomAD compares: Admixed American, 0.0017%; no homozygotes.

Submission:

Labcorp Genetics (formerly Invitae), Labcorp
Classification: Uncertain significance for Myopathy, proximal, and ophthalmoplegia. Last evaluated: 2024-10-18. Review status: criteria provided, single submitter. Criteria: Invitae Variant Classification Sherloc (09022015). Collection method: clinical testing. Allele origin: germline.
Comment: This sequence change falls in intron 38 of the MYH2 gene. It does not directly change the encoded amino acid sequence of the MYH2 protein. It affects a nucleotide within the consensus splice site. This variant is present in population databases (no rsID available, gnomAD no frequency). This variant has not been reported in the literature in individuals affected with MYH2-related conditions. ClinVar contains an entry for this variant (Variation ID: 1968920). Variants that disrupt the consensus splice site are a relatively common cause of aberrant splicing (PMID: 17576681, 9536098). Algorithms developed to predict the effect of sequence changes on RNA splicing suggest that this variant is not likely to affect RNA splicing. In summary, the available evidence is currently insufficient to determine the role of this variant in disease. Therefore, it has been classified as a Variant of Uncertain Significance.

Literature cited by the submitters: PubMed 17576681; PubMed 9536098.